The following is an entry in ClinVar:

NM_000170.3(GLDC):c.1539C>G (p.Phe513Leu)

Gene: GLDC (glycine decarboxylase; minus strand). Cytogenetic location: 9p24.1.
Variant type: single nucleotide variant.
Coding change: c.1539C>G on transcript NM_000170.3 (MANE Select); coding-DNA position 1539, C replaced by G.
Protein change: p.Phe513Leu; replaces phenylalanine 513 with leucine.
Molecular consequence: missense variant.
Genome position (GRCh38, 1-based): chr9:6,589,236, G>C on the plus strand (C>G on the coding strand, the complement: GLDC is on the minus strand). VCF-style: chr9-6589236-G-C. GRCh37 (hg19) VCF-style: chr9-6589236-G-C.
Other names: short protein forms F513L.
Identifiers: ClinVar variation 1905100 (VCV001905100.3), dbSNP rs762831617, ClinGen allele CA4980663.

ClinVar aggregate classification (germline): Uncertain significance (1 of 4 stars; one submission).

Conditions:
Glycine encephalopathy. Also called: Non-ketotic hyperglycinemia; Nonketotic hyperglycinemia. Identifiers: Orphanet 407, MedGen C0751748, MONDO:0011612, HP:0008288.

Allele frequency attached by ClinVar (database versions not stated): TOPMed below 0.00001; ExAC 0.00001; gnomAD 0.00001; gnomAD exomes 0.00001.
gnomAD v4.1: 17 of 1,611,044 alleles (0.0011%); highest among the groups gnomAD compares: Non-Finnish European, 0.0014%; no homozygotes.

Submission:

Labcorp Genetics (formerly Invitae), Labcorp
Classification: Uncertain significance for Glycine encephalopathy. Last evaluated: 2022-07-20. Review status: criteria provided, single submitter. Criteria: Invitae Variant Classification Sherloc (09022015). Collection method: clinical testing. Allele origin: germline.
Comment: This sequence change replaces phenylalanine, which is neutral and non-polar, with leucine, which is neutral and non-polar, at codon 513 of the GLDC protein (p.Phe513Leu). This variant is present in population databases (rs762831617, gnomAD 0.0009%). This variant has not been reported in the literature in individuals affected with GLDC-related conditions. Advanced modeling of protein sequence and biophysical properties (such as structural, functional, and spatial information, amino acid conservation, physicochemical variation, residue mobility, and thermodynamic stability) performed at Invitae indicates that this missense variant is not expected to disrupt GLDC protein function. In summary, the available evidence is currently insufficient to determine the role of this variant in disease. Therefore, it has been classified as a Variant of Uncertain Significance.